The following is an entry in ClinVar:

ClinVar aggregate classification (germline): Uncertain significance. Review status: criteria provided, multiple submitters, no conflicts (2 of 4 stars). 2 submissions from 2 submitters: Uncertain significance (2). Last evaluated 2024-08-16.

Conditions:
Cardiovascular phenotype. Identifiers: MedGen CN230736.
Familial hypercholesterolemia. Also called: Familial hypercholesterolaemia. Identifiers: MedGen C0020445, MONDO:0005439.

Allele frequency attached by ClinVar (database versions not stated): gnomAD exomes below 0.00001.
gnomAD v4.1: 1 of 1,609,050 alleles (0.000062%); highest among the groups gnomAD compares: Non-Finnish European, 0.000085%; no homozygotes.

Submissions (2):

Ambry Genetics
Classification: Uncertain significance for Cardiovascular phenotype. Last evaluated: 2024-08-16. Review status: criteria provided, single submitter. Criteria: Ambry Variant Classification Scheme 2023. Collection method: clinical testing. Allele origin: germline.
Comment: The p.E501K variant (also known as c.1501G>A), located in coding exon 9 of the PCSK9 gene, results from a G to A substitution at nucleotide position 1501. The glutamic acid at codon 501 is replaced by lysine, an amino acid with similar properties. This amino acid position is conserved. In addition, this alteration is predicted to be tolerated by in silico analysis. Based on the available evidence, the clinical significance of this variant remains unclear.

Color Diagnostics, LLC DBA Color Health
Classification: Uncertain significance for Familial hypercholesterolemia. Last evaluated: 2019-03-30. Review status: criteria provided, single submitter. Criteria: ACMG Guidelines, 2015. Collection method: clinical testing. Allele origin: germline.
Comment: This missense variant replaces glutamic acid with lysine at codon 501 of the PCSK9 protein. Computational prediction tools and conservation analyses are inconclusive regarding the impact of this variant on the protein function. Computational splicing tools suggest that this variant may not impact RNA splicing. To our knowledge, functional assays have not been performed for this variant nor has this variant been reported in individuals affected with familial hypercholesterolemia in the literature. This variant has been identified in 1/241598 chromosomes in the general population by the Genome Aggregation Database (gnomAD). Available evidence is insufficient to determine the role of this variant in disease conclusively. Therefore, this variant is classified as a Variant of Uncertain Significance.

NM_174936.4(PCSK9):c.1501G>A (p.Glu501Lys)

Gene: PCSK9 (proprotein convertase subtilisin/kexin type 9; plus strand). Cytogenetic location: 1p32.3.
Variant type: single nucleotide variant.
Coding change: c.1501G>A on transcript NM_174936.4 (MANE Select); coding-DNA position 1501, G replaced by A.
Protein change: p.Glu501Lys; replaces glutamic acid 501 with lysine.
Molecular consequence: missense variant.
Genome position (GRCh38, 1-based): chr1:55,058,645, G>A. VCF-style: chr1-55058645-G-A. GRCh37 (hg19) VCF-style: chr1-55524318-G-A.
Other names: c.1624G>A, p.Glu542Lys (NM_001407240.1); c.1501G>A, p.Glu501Lys (NM_001407241.1); c.1504G>A, p.Glu502Lys (NM_001407242.1); c.1444G>A, p.Glu482Lys (NM_001407243.1); c.1327G>A, p.Glu443Lys (NM_001407244.1); c.1309G>A, p.Glu437Lys (NM_001407245.1); c.1126G>A, p.Glu376Lys (NM_001407246.1); short protein forms E501K, E437K, E443K, E542K, E376K, E502K, E482K.
Identifiers: ClinVar variation 927150 (VCV000927150.5), dbSNP rs1377720240, ClinGen allele CA340479366.